The following is an entry in ClinVar:

NM_198904.4(GABRG2):c.877T>A (p.Ser293Thr)

Gene: GABRG2 (gamma-aminobutyric acid type A receptor subunit gamma2; plus strand). Cytogenetic location: 5q34.
Variant type: single nucleotide variant.
Coding change: c.877T>A on transcript NM_198904.4 (MANE Select); coding-DNA position 877, T replaced by A.
Protein change: p.Ser293Thr; replaces serine 293 with threonine.
Molecular consequence: missense variant.
Genome position (GRCh38, 1-based): chr5:162,142,271, T>A. VCF-style: chr5-162142271-T-A. GRCh37 (hg19) VCF-style: chr5-161569277-T-A.
Other names: c.877T>A, p.Ser293Thr (NM_000816.3, NM_001375340.1); c.868T>A, p.Ser290Thr (NM_001375339.1); c.874T>A, p.Ser292Thr (NM_001375341.1, NM_001375342.1); c.997T>A, p.Ser333Thr (NM_001375343.1, NM_198903.2); c.916T>A, p.Ser306Thr (NM_001375344.1); c.811T>A, p.Ser271Thr (NM_001375345.1, NM_001375346.1); c.790T>A, p.Ser264Thr (NM_001375347.1); c.457T>A, p.Ser153Thr (NM_001375348.1, NM_001375350.1); and 1 more; short protein forms S153T, S198T, S264T, S290T, S292T, S271T, S306T, S293T.
Identifiers: ClinVar variation 1451126 (VCV001451126.9), dbSNP rs2113598950, ClinGen allele CA362182180.

ClinVar aggregate classification (germline): Conflicting classifications of pathogenicity. Review status: criteria provided, conflicting classifications (1 of 4 stars). 2 submissions from 2 submitters: Pathogenic (1); Uncertain significance (1). Last evaluated 2025-05-13.

Conditions:
EPILEPSY, CHILDHOOD ABSENCE, SUSCEPTIBILITY TO, 2 (ECA2). Identifiers: Orphanet 64280, MedGen C1843244, OMIM 607681.
Febrile seizures, familial, 8 (FEB8). Also called: CONVULSIONS, FAMILIAL FEBRILE, 8. Identifiers: Orphanet 36387, MedGen C1969810, MONDO:0011891, OMIM 607681.

Submissions (2):

Women's Health and Genetics/Laboratory Corporation of America, LabCorp
Classification: Uncertain significance. Last evaluated: 2025-05-13. Review status: criteria provided, single submitter. Criteria: LabCorp Variant Classification Summary - May 2015. Collection method: clinical testing. Allele origin: germline.
Comment: Variant summary: GABRG2 c.997T>A (p.Ser333Thr) results in a conservative amino acid change in the encoded protein sequence. Algorithms developed to predict the effect of missense changes on protein structure and function are either unavailable or do not agree on the potential impact of this missense change. The variant was absent in 251428 control chromosomes. c.997T>A has been observed in a de novo individual(s) affected with GABRG2 related conditions (internal testing). These data do not allow any conclusion about variant significance. To our knowledge, no experimental evidence demonstrating an impact on protein function has been reported. ClinVar contains an entry for this variant (Variation ID: 1451126). Based on the evidence outlined above, the variant was classified as VUS-possibly pathogenic.

Labcorp Genetics (formerly Invitae), Labcorp
Classification: Pathogenic for Febrile seizures, familial, 8; EPILEPSY, CHILDHOOD ABSENCE, SUSCEPTIBILITY TO, 2. Last evaluated: 2021-01-05. Review status: criteria provided, single submitter. Criteria: Invitae Variant Classification Sherloc (09022015). Collection method: clinical testing. Allele origin: germline.
Comment: For these reasons, this variant has been classified as Pathogenic. Advanced modeling of protein sequence and biophysical properties (such as structural, functional, and spatial information, amino acid conservation, physicochemical variation, residue mobility, and thermodynamic stability) performed at Invitae indicates that this missense variant is expected to disrupt GABRG2 protein function. This variant has been observed in individual(s) with clinical features of GABRG2-related conditions (Invitae). In at least one individual the variant was observed to be de novo. This variant is not present in population databases (ExAC no frequency). This sequence change replaces serine with threonine at codon 293 of the GABRG2 protein (p.Ser293Thr). The serine residue is highly conserved and there is a small physicochemical difference between serine and threonine.